The following is an entry in ClinVar:

NM_006031.6(PCNT):c.7173C>T (p.His2391=)

Gene: PCNT (pericentrin; plus strand). Cytogenetic location: 21q22.3.
Variant type: single nucleotide variant.
Coding change: c.7173C>T on transcript NM_006031.6 (MANE Select); coding-DNA position 7173, C replaced by T.
Protein change: p.His2391=; no amino-acid change (histidine 2391 retained).
Molecular consequence: synonymous variant.
Genome position (GRCh38, 1-based): chr21:46,422,118, C>T. VCF-style: chr21-46422118-C-T. GRCh37 (hg19) VCF-style: chr21-47842032-C-T.
Other names: c.7173C>T (NM_006031.5); c.6819C>T, p.His2273= (NM_001315529.2).
Identifiers: ClinVar variation 3012585 (VCV003012585.5), dbSNP rs769274789, ClinGen allele CA10080538.

ClinVar aggregate classification (germline): Likely benign. Review status: criteria provided, single submitter (1 of 4 stars). 2 submissions from 2 submitters: Likely benign (1). 1 of the submissions does not count toward it. Last evaluated 2024-06-26.

Conditions:
PCNT-related disorder. Also called: PCNT-related condition.

Allele frequency attached by ClinVar (database versions not stated): ExAC 0.00001.

Submissions (2):

Labcorp Genetics (formerly Invitae), Labcorp
Classification: Likely benign. Last evaluated: 2024-06-26. Review status: criteria provided, single submitter. Criteria: Invitae Variant Classification Sherloc (09022015). Collection method: clinical testing. Allele origin: germline.

PreventionGenetics, part of Exact Sciences
Classification: Likely benign for PCNT-related condition. Last evaluated: 2019-09-17. Review status: no assertion criteria provided. Collection method: clinical testing. Allele origin: germline. Not counted in ClinVar's aggregate classification.
Comment: This variant is classified as likely benign based on ACMG/AMP sequence variant interpretation guidelines (Richards et al. 2015 PMID: 25741868, with internal and published modifications).